The following is an entry in ClinVar:

ClinVar aggregate classification (germline): Likely benign (1 of 4 stars; one submission).

Allele frequency attached by ClinVar (database versions not stated): 1000 Genomes Project 0.01238; TOPMed 0.02439; gnomAD 0.02462 and 0.02532.
gnomAD v4.1: 3,745 of 152,020 alleles (2.5%); highest among the groups gnomAD compares: Non-Finnish European, 3.9%; 64 homozygotes.

Submission:

GeneDx
Classification: Likely benign. Last evaluated: 2018-06-14. Review status: criteria provided, single submitter. Criteria: GeneDx Variant Classification (06012015). Collection method: clinical testing. Allele origin: germline. Affected: yes.
Comment: This variant is considered likely benign or benign based on one or more of the following criteria: it is a conservative change, it occurs at a poorly conserved position in the protein, it is predicted to be benign by multiple in silico algorithms, and/or has population frequency not consistent with disease.

NM_001849.4(COL6A2):c.801+209G>A

Gene: COL6A2 (collagen type VI alpha 2 chain; plus strand). Cytogenetic location: 21q22.3.
Variant type: single nucleotide variant.
Coding change: c.801+209G>A on transcript NM_001849.4 (MANE Select); 209 bases into the intron after coding-DNA position 801, G replaced by A.
Molecular consequence: intron variant.
Genome position (GRCh38, 1-based): chr21:46,114,282, G>A. VCF-style: chr21-46114282-G-A. GRCh37 (hg19) VCF-style: chr21-47534196-G-A.
Other names: c.801+209G>A (NM_058175.3, NM_058174.3).
Identifiers: ClinVar variation 672417 (VCV000672417.1), dbSNP rs145937262, ClinGen allele CA321958588.